The following is an entry in ClinVar:

ClinVar aggregate classification (germline): Uncertain significance. Review status: criteria provided, multiple submitters, no conflicts (2 of 4 stars). 3 submissions from 3 submitters: Uncertain significance (3). Last evaluated 2023-09-04.

Conditions:
Hereditary cancer-predisposing syndrome. Also called: Hereditary neoplastic syndrome; Neoplastic Syndromes, Hereditary; Tumor predisposition; Hereditary Cancer Syndrome. Identifiers: Orphanet 140162, MedGen C0027672, MeSH D009386, MONDO:0015356.

Allele frequency attached by ClinVar (database versions not stated): gnomAD exomes below 0.00001; TOPMed below 0.00001.
gnomAD v4.1: 1 of 1,612,026 alleles (0.000062%); highest among the groups gnomAD compares: Admixed American, 0.0017%; no homozygotes.

Submissions (3):

Labcorp Genetics (formerly Invitae), Labcorp
Classification: Uncertain significance. Last evaluated: 2023-09-04. Review status: criteria provided, single submitter. Criteria: Invitae Variant Classification Sherloc (09022015). Collection method: clinical testing. Allele origin: germline.
Comment: Advanced modeling of protein sequence and biophysical properties (such as structural, functional, and spatial information, amino acid conservation, physicochemical variation, residue mobility, and thermodynamic stability) performed at Invitae indicates that this missense variant is not expected to disrupt CTNNA1 protein function. In summary, the available evidence is currently insufficient to determine the role of this variant in disease. Therefore, it has been classified as a Variant of Uncertain Significance. ClinVar contains an entry for this variant (Variation ID: 1789003). This variant has not been reported in the literature in individuals affected with CTNNA1-related conditions. This variant is not present in population databases (gnomAD no frequency). This sequence change replaces threonine, which is neutral and polar, with serine, which is neutral and polar, at codon 762 of the CTNNA1 protein (p.Thr762Ser).

Ambry Genetics
Classification: Uncertain significance for Hereditary cancer-predisposing syndrome. Last evaluated: 2021-10-27. Review status: criteria provided, single submitter. Criteria: Ambry Variant Classification Scheme 2023. Collection method: clinical testing. Allele origin: germline.
Comment: The p.T762S variant (also known as c.2285C>G), located in coding exon 15 of the CTNNA1 gene, results from a C to G substitution at nucleotide position 2285. The threonine at codon 762 is replaced by serine, an amino acid with similar properties. This amino acid position is conserved. In addition, this alteration is predicted to be tolerated by in silico analysis. Since supporting evidence is limited at this time, the clinical significance of this alteration remains unclear.

Blueprint Genetics
Classification: Uncertain significance. Last evaluated: 2021-06-29. Review status: criteria provided, single submitter. Criteria: ACMG Guidelines, 2015. Collection method: clinical testing. Allele origin: germline.

NM_001903.5(CTNNA1):c.2285C>G (p.Thr762Ser)

Gene: CTNNA1 (catenin alpha 1; plus strand). Cytogenetic location: 5q31.2.
Variant type: single nucleotide variant.
Coding change: c.2285C>G on transcript NM_001903.5 (MANE Select); coding-DNA position 2285, C replaced by G.
Protein change: p.Thr762Ser; replaces threonine 762 with serine.
Molecular consequence: missense variant.
Genome position (GRCh38, 1-based): chr5:138,930,922, C>G. VCF-style: chr5-138930922-C-G. GRCh37 (hg19) VCF-style: chr5-138266611-C-G.
Other names: c.2285C>G, p.Thr762Ser (NM_001290307.3, NM_001323982.2, NM_001323983.1 and 2 more transcripts); c.1976C>G, p.Thr659Ser (NM_001290309.3); c.1916C>G, p.Thr639Ser (NM_001290310.3); c.1175C>G, p.Thr392Ser (NM_001290312.1, NM_001323987.1, NM_001323988.1 and 17 more transcripts); c.2192C>G, p.Thr731Ser (NM_001323986.2); c.836C>G, p.Thr279Ser (NM_001324006.1, NM_001324007.1, NM_001324008.1 and 2 more transcripts); c.1082C>G, p.Thr361Ser (NM_001324011.1); c.932C>G, p.Thr311Ser (NM_001324012.1, NM_001324013.1); short protein forms T392S, T311S, T639S, T762S, T279S, T361S, T731S, T659S.
Identifiers: ClinVar variation 1789003 (VCV001789003.6), dbSNP rs1313093200, ClinGen allele CA361133951.